The following is an entry in ClinVar:

NM_183065.4(TMEM107):c.*753T>C

Gene: TMEM107 (transmembrane protein 107; minus strand). Cytogenetic location: 17p13.1.
Variant type: single nucleotide variant.
Coding change: c.*753T>C on transcript NM_183065.4 (MANE Select); 753 bases downstream of the stop codon, T replaced by C.
Molecular consequence: 3 prime UTR variant. On other transcripts: non-coding transcript variant (1).
Genome position (GRCh38, 1-based): chr17:8,173,450, A>G on the plus strand (T>C on the coding strand, the complement: TMEM107 is on the minus strand). VCF-style: chr17-8173450-A-G. GRCh37 (hg19) VCF-style: chr17-8076768-A-G.
Other names: c.*753T>C (NM_001351278.2, NM_001351279.2, NM_001351280.2 and 1 more transcripts).
Identifiers: ClinVar variation 3357284 (VCV003357284.1).
Genomic context (GRCh38, chr17:8,173,450, plus strand): 5'-CATAGCTATGTTTGTGGATATCTGCTAATCAGCATAACACAAATGTAAGTGATCGTCAGA[A>G]AGAATCAGACAGGAGCAATCAGGGTGTTGCAAGTCCTGATTACGCAGAGACGTTAATCAC-3'

ClinVar aggregate classification (germline): Likely benign (0 of 4 stars; one submission).

Conditions:
TMEM107-related disorder. Also called: TMEM107-related condition.

gnomAD v4.1: 3 of 762,666 alleles (0.00039%); highest among the groups gnomAD compares: Non-Finnish European, 0.00048%; no homozygotes.

Submission:

PreventionGenetics, part of Exact Sciences
Classification: Likely benign for TMEM107-related condition. Last evaluated: 2024-07-25. Review status: no assertion criteria provided. Collection method: clinical testing. Allele origin: germline.
Comment: This variant is classified as likely benign based on ACMG/AMP sequence variant interpretation guidelines (Richards et al. 2015 PMID: 25741868, with internal and published modifications).